The following is an entry in ClinVar:

ClinVar aggregate classification (germline): Uncertain significance (1 of 4 stars; one submission).

gnomAD v4.1: 2 of 1,614,054 alleles (0.00012%); highest among the groups gnomAD compares: Non-Finnish European, 0.00017%; no homozygotes.

Submission:

Labcorp Genetics (formerly Invitae), Labcorp
Classification: Uncertain significance. Last evaluated: 2024-01-17. Review status: criteria provided, single submitter. Criteria: Invitae Variant Classification Sherloc (09022015). Collection method: clinical testing. Allele origin: germline.
Comment: This sequence change replaces glutamic acid, which is acidic and polar, with lysine, which is basic and polar, at codon 665 of the CEP250 protein (p.Glu665Lys). This variant is not present in population databases (gnomAD no frequency). This variant has not been reported in the literature in individuals affected with CEP250-related conditions. ClinVar contains an entry for this variant (Variation ID: 2112502). An algorithm developed to predict the effect of missense changes on protein structure and function (PolyPhen-2) suggests that this variant is likely to be tolerated. In summary, the available evidence is currently insufficient to determine the role of this variant in disease. Therefore, it has been classified as a Variant of Uncertain Significance.

NM_007186.6(CEP250):c.1993G>A (p.Glu665Lys)

Genes: CEP250 (centrosomal protein 250; plus strand), CEP250-AS1 (CEP250 antisense RNA 1; minus strand). Cytogenetic location: 20q11.22.
Variant type: single nucleotide variant.
Coding change: c.1993G>A on transcript NM_007186.6 (MANE Select); coding-DNA position 1993, G replaced by A.
Protein change: p.Glu665Lys; replaces glutamic acid 665 with lysine.
Molecular consequence: missense variant.
Genome position (GRCh38, 1-based): chr20:35,478,000, G>A. VCF-style: chr20-35478000-G-A. GRCh37 (hg19) VCF-style: chr20-34065825-G-A.
Other names: c.97G>A, p.Glu33Lys (NM_001318219.1); short protein forms E33K, E665K.
Identifiers: ClinVar variation 2112502 (VCV002112502.4), dbSNP rs1195085922, ClinGen allele CA408766420.